The following is an entry in ClinVar:

NM_024753.5(TTC21B):c.2765T>A (p.Leu922Ter)

Gene: TTC21B (tetratricopeptide repeat domain 21B; minus strand). Cytogenetic location: 2q24.3.
Variant type: single nucleotide variant.
Coding change: c.2765T>A on transcript NM_024753.5 (MANE Select); coding-DNA position 2765, T replaced by A.
Protein change: p.Leu922Ter; replaces leucine 922 with a stop codon.
Molecular consequence: nonsense.
Genome position (GRCh38, 1-based): chr2:165,899,873, A>T on the plus strand (T>A on the coding strand, the complement: TTC21B is on the minus strand). VCF-style: chr2-165899873-A-T. GRCh37 (hg19) VCF-style: chr2-166756383-A-T.
Other names: short protein forms L922*.
Identifiers: ClinVar variation 3762066 (VCV003762066.2).

ClinVar aggregate classification (germline): Pathogenic (1 of 4 stars; one submission).

Conditions:
Jeune thoracic dystrophy. Also called: Jeune syndrome; Infantile thoracic dystrophy; Thoracic pelvic phalangeal dystrophy; Jeune's syndrome; Chondroectodermal dysplasia-like syndrome; Short-rib thoracic dysplasia. Identifiers: Orphanet 474, MedGen C0265275, MONDO:0018770.
Nephronophthisis. Also called: Juvenile Nephronophthisis. Identifiers: Orphanet 655, MedGen C0687120, MONDO:0019005, HP:0000090.

Submission:

Labcorp Genetics (formerly Invitae), Labcorp
Classification: Pathogenic for Jeune thoracic dystrophy; Nephronophthisis. Last evaluated: 2024-03-28. Review status: criteria provided, single submitter. Criteria: Invitae Variant Classification Sherloc (09022015). Collection method: clinical testing. Allele origin: germline.
Comment: This sequence change creates a premature translational stop signal (p.Leu922*) in the TTC21B gene. It is expected to result in an absent or disrupted protein product. Loss-of-function variants in TTC21B are known to be pathogenic (PMID: 18327258, 21068128, 21258341, 23559409, 24876116, 25492405, 27491411, 29068549). This variant is not present in population databases (gnomAD no frequency). This variant has not been reported in the literature in individuals affected with TTC21B-related conditions. For these reasons, this variant has been classified as Pathogenic.

Literature cited by the submitters: PubMed 18327258; PubMed 21068128; PubMed 21258341; PubMed 23559409; PubMed 24876116; PubMed 25492405; PubMed 27491411; PubMed 29068549.